The following is an entry in ClinVar:

ClinVar aggregate classification (germline): Conflicting classifications of pathogenicity. Review status: criteria provided, conflicting classifications (1 of 4 stars). 2 submissions from 2 submitters: Uncertain significance (1); Likely benign (1). Last evaluated 2026-03-20.

Allele frequency attached by ClinVar (database versions not stated): gnomAD exomes below 0.00001; TOPMed below 0.00001.

Submissions (2):

GeneDx
Classification: Uncertain significance. Last evaluated: 2026-03-20. Review status: criteria provided, single submitter. Criteria: GeneDx Variant Classification Process June 2021. Collection method: clinical testing. Allele origin: germline.
Comment: Not observed at significant frequency in large population cohorts (gnomAD); In silico analysis suggests that this variant does not alter splicing; Has not been previously published as pathogenic or benign to our knowledge

Labcorp Genetics (formerly Invitae), Labcorp
Classification: Likely benign. Last evaluated: 2022-09-27. Review status: criteria provided, single submitter. Criteria: Invitae Variant Classification Sherloc (09022015). Collection method: clinical testing. Allele origin: germline.

NM_004385.5(VCAN):c.10071A>G (p.Ala3357=)

Gene: VCAN (versican; plus strand). Cytogenetic location: 5q14.3.
Variant type: single nucleotide variant.
Coding change: c.10071A>G on transcript NM_004385.5 (MANE Select); coding-DNA position 10071, A replaced by G.
Protein change: p.Ala3357=; no amino-acid change (alanine 3357 retained).
Molecular consequence: synonymous variant.
Genome position (GRCh38, 1-based): chr5:83,580,314, A>G. VCF-style: chr5-83580314-A-G. GRCh37 (hg19) VCF-style: chr5-82876133-A-G.
Other names: c.1848A>G, p.Ala616= (NM_001126336.3); c.7110A>G, p.Ala2370= (NM_001164097.2); c.4809A>G, p.Ala1603= (NM_001164098.2); c.10071A>G (NM_004385.4).
Identifiers: ClinVar variation 2067005 (VCV002067005.5), dbSNP rs1452271207, ClinGen allele CA445184026.